The following is an entry in ClinVar:

ClinVar aggregate classification (germline): Uncertain significance (1 of 4 stars; one submission).

Conditions:
Hereditary cancer-predisposing syndrome. Also called: Tumor predisposition; Hereditary neoplastic syndrome; Hereditary Cancer Syndrome; Neoplastic Syndromes, Hereditary. Identifiers: Orphanet 140162, MedGen C0027672, MeSH D009386, MONDO:0015356.

Submission:

Ambry Genetics
Classification: Uncertain significance for Hereditary cancer-predisposing syndrome. Last evaluated: 2025-04-21. Review status: criteria provided, single submitter. Criteria: Ambry Variant Classification Scheme 2023. Collection method: clinical testing. Allele origin: germline.
Comment: The p.Q949K variant (also known as c.2845C>A), located in coding exon 21 of the MSH3 gene, results from a C to A substitution at nucleotide position 2845. The glutamine at codon 949 is replaced by lysine, an amino acid with similar properties. This amino acid position is conserved. In addition, this alteration is predicted to be tolerated by in silico analysis. Since supporting evidence is limited at this time, the clinical significance of this alteration remains unclear.

NM_002439.5(MSH3):c.2845C>A (p.Gln949Lys)

Gene: MSH3 (mutS homolog 3; plus strand). Cytogenetic location: 5q14.1.
Variant type: single nucleotide variant.
Coding change: c.2845C>A on transcript NM_002439.5 (MANE Select); coding-DNA position 2845, C replaced by A.
Protein change: p.Gln949Lys; replaces glutamine 949 with lysine.
Molecular consequence: missense variant.
Genome position (GRCh38, 1-based): chr5:80,854,161, C>A. VCF-style: chr5-80854161-C-A. GRCh37 (hg19) VCF-style: chr5-80149980-C-A.
Other names: short protein forms Q949K.
Identifiers: ClinVar variation 3222280 (VCV003222280.2), dbSNP rs758546167, ClinGen allele CA360275521.